The following is an entry in ClinVar:

ClinVar aggregate classification (germline): Likely benign (1 of 4 stars; one submission).

Conditions:
Growth delay due to insulin-like growth factor type 1 deficiency (IGF1D). Also called: GROWTH RETARDATION WITH SENSORINEURAL DEAFNESS AND MENTAL RETARDATION; IGF1 DEFICIENCY. Identifiers: Orphanet 73272, MedGen C1837475, MONDO:0012110, OMIM 608747.

Allele frequency attached by ClinVar (database versions not stated): gnomAD 0.00001 and 0.00010; TOPMed 0.00002; 1000 Genomes Project 30x 0.00125; 1000 Genomes Project 0.00160.
gnomAD v4.1: 16 of 152,780 alleles (0.01%); highest among the groups gnomAD compares: South Asian, 0.31%; no homozygotes.

Submission:

Illumina Laboratory Services, Illumina
Classification: Likely benign for Growth delay due to insulin-like growth factor type 1 deficiency. Last evaluated: 2018-01-13. Review status: criteria provided, single submitter. Criteria: ICSL Variant Classification Criteria 13 December 2019. Collection method: clinical testing. Allele origin: germline.
Comment: This variant was observed in the ICSL laboratory as part of a predisposition screen in an ostensibly healthy population. It had not been previously curated by ICSL or reported in the Human Gene Mutation Database (HGMD: prior to June 1st, 2018), and was therefore a candidate for classification through an automated scoring system. Utilizing variant allele frequency, disease prevalence and penetrance estimates, and inheritance mode, an automated score was calculated to assess if this variant is too frequent to cause the disease. Based on the score and internal cut-off values, a variant classified as likely benign is not then subjected to further curation. The score for this variant resulted in a classification of likely benign for this disease.

NM_000618.5(IGF1):c.*784A>C

Genes: LINC02456 (long intergenic non-protein coding RNA 2456; plus strand), IGF1 (insulin like growth factor 1; minus strand). Cytogenetic location: 12q23.2.
Variant type: single nucleotide variant.
Coding change: c.*784A>C on transcript NM_000618.5 (MANE Select); 784 bases downstream of the stop codon, A replaced by C.
Molecular consequence: 3 prime UTR variant.
Genome position (GRCh38, 1-based): chr12:102,401,723, T>G on the plus strand (A>C on the coding strand, the complement: IGF1 is on the minus strand). VCF-style: chr12-102401723-T-G. GRCh37 (hg19) VCF-style: chr12-102795501-T-G.
Other names: c.*818A>C (NM_001111283.3); c.*784A>C (NM_001111284.2).
Identifiers: ClinVar variation 881948 (VCV000881948.4), dbSNP rs5742701, ClinGen allele CA242630870.